The following is an entry in ClinVar:

ClinVar aggregate classification (germline): Uncertain significance (1 of 4 stars; one submission).

Submission:

Labcorp Genetics (formerly Invitae), Labcorp
Classification: Uncertain significance. Last evaluated: 2022-03-21. Review status: criteria provided, single submitter. Criteria: Invitae Variant Classification Sherloc (09022015). Collection method: clinical testing. Allele origin: germline.
Comment: In summary, the available evidence is currently insufficient to determine the role of this variant in disease. Therefore, it has been classified as a Variant of Uncertain Significance. Experimental studies and prediction algorithms are not available or were not evaluated, and the functional significance of this variant is currently unknown. This variant has not been reported in the literature in individuals affected with PIGV-related conditions. This variant is a gross deletion of the genomic region encompassing exon(s) 3-4 of the PIGV gene, which includes the termination codon. This deletion extends beyond the assayed region for this gene and therefore may encompass additional genes. While this deletion is not anticipated to lead to nonsense mediated decay, it is expected to alter mRNA translation or result in a truncated protein product.

NC_000001.10:g.(?_27120584)_(27124335_?)del

Gene: PIGV (phosphatidylinositol glycan anchor biosynthesis class V; plus strand). Cytogenetic location: 1p36.11.
Variant type: Deletion.
Identifiers: ClinVar variation 2426361 (VCV002426361.4).